The following is an entry in ClinVar:

ClinVar aggregate classification (germline): Likely pathogenic (1 of 4 stars; one submission).

Conditions:
Arrhythmogenic right ventricular cardiomyopathy (ARVD). Also called: Arrhythmogenic cardiomyopathy; Cardiomyopathy, ARVC; Arrhythmogenic right ventricular dysplasia; Arrhythmogenic Right Ventricular Cardiomyopathy (ARVC). Identifiers: Orphanet 247, MedGen C0349788, MeSH D019571, MONDO:0016587. Disease mechanism: loss of function. Inheritance: Various modes of inheritance.

Submission:

Agnes Ginges Centre for Molecular Cardiology, Centenary Institute
Classification: Likely pathogenic for Arrhythmogenic right ventricular cardiomyopathy. Last evaluated: 2017-03-01. Review status: criteria provided, single submitter. Criteria: ACMG Guidelines, 2015. Collection method: research. Allele origin: germline. Affected: yes.
Comment: The DSP Gln1227Ter variant is novel and is absent from the 1000 genomes project, as well as the Exome Aggregation Consortium dataset. We identified this variant in a sudden cardiac death patient who was diagnosed with ARVC at post mortem and another proband died suddenly without any cause on postmortem. Loss of function in DSP is an established mechanism of disease in ARVC, based on this and the rarity of the variant in general population databases, we classify DSP Gln1227Ter as a "likely pathogenic" variant.

NM_004415.4(DSP):c.3679C>T (p.Gln1227Ter)

Gene: DSP (desmoplakin; plus strand). Cytogenetic location: 6p24.3.
Variant type: single nucleotide variant.
Coding change: c.3679C>T on transcript NM_004415.4 (MANE Select); coding-DNA position 3679, C replaced by T.
Protein change: p.Gln1227Ter; replaces glutamine 1227 with a stop codon.
Molecular consequence: nonsense. On other transcripts: intron variant (1).
Genome position (GRCh38, 1-based): chr6:7,579,869, C>T. VCF-style: chr6-7579869-C-T. GRCh37 (hg19) VCF-style: chr6-7580102-C-T.
Other names: c.3679C>T, p.Gln1227Ter (NM_001319034.2); c.3582+97C>T (NM_001008844.3); short protein forms Q1227*.
Identifiers: ClinVar variation 692126 (VCV000692126.2), dbSNP rs1581816089, ClinGen allele CA362684614.
Genomic context (GRCh38, chr6:7,579,869, plus strand): 5'-AGGAACAAGTATGAAACAGAGATTAACATTACGAAGACCACCATCAAGGAGATATCCATG[C>T]AAAAAGAGGATGATTCCAAAAATCTTAGAAACCAGCTTGATAGACTTTCAAGGGAAAATC-3'